The following is an entry in ClinVar:

NM_000095.3(COMP):c.1317C>G (p.Asp439Glu)

Gene: COMP (cartilage oligomeric matrix protein; minus strand). Cytogenetic location: 19p13.11.
Variant type: single nucleotide variant.
Coding change: c.1317C>G on transcript NM_000095.3 (MANE Select); coding-DNA position 1317, C replaced by G.
Protein change: p.Asp439Glu; replaces aspartic acid 439 with glutamic acid.
Molecular consequence: missense variant.
Genome position (GRCh38, 1-based): chr19:18,786,137, G>C on the plus strand (C>G on the coding strand, the complement: COMP is on the minus strand). VCF-style: chr19-18786137-G-C. GRCh37 (hg19) VCF-style: chr19-18896947-G-C.
Other names: p.Asp439Glu; c.1317C>G (NM_000095.2); short protein forms D439E.
Identifiers: ClinVar variation 1066197 (VCV001066197.9), dbSNP rs368273443, ClinGen allele CA404885281.
Genomic context (GRCh38, chr19:18,786,137, plus strand): 5'-TGAGTCCTCCTGGGCACTGTTAGGCACCGTGGGACAGTTGTCCCGAGAGTCCTGATGTCC[G>C]TCTCCATCCCTAGAGTGGATAGGTGGGATCCAGAGACAATGAGCTCTCCAGAGCGTTTTG-3'
Protein context (NP_000086.2, residues 429-449): ACDSDQDQDG[Asp439Glu]GHQDSRDNCP

ClinVar aggregate classification (germline): Pathogenic/Likely pathogenic. Review status: criteria provided, multiple submitters, no conflicts (2 of 4 stars). 3 submissions from 3 submitters: Pathogenic (1); Likely pathogenic (2). Last evaluated 2025-09-02.

Conditions:
Multiple epiphyseal dysplasia type 1. Also called: COMP-Related Multiple Epiphyseal Dysplasia. Identifiers: Orphanet 93308, MedGen C1838280, MONDO:0007561, OMIM 132400.

Submissions (3):

Labcorp Genetics (formerly Invitae), Labcorp
Classification: Pathogenic. Last evaluated: 2025-09-02. Review status: criteria provided, single submitter. Criteria: Invitae Variant Classification Sherloc (09022015). Collection method: clinical testing. Allele origin: germline.
Comment: This sequence change replaces aspartic acid, which is acidic and polar, with glutamic acid, which is acidic and polar, at codon 439 of the COMP protein (p.Asp439Glu). This variant is not present in population databases (gnomAD no frequency). This missense change has been observed in individuals with clinical features of multiple epiphyseal dysplasia and/or pseudoachondroplasia (PMID: 24595329, 33748277, 34709441; internal data). It has also been observed to segregate with disease in related individuals. ClinVar contains an entry for this variant (Variation ID: 1066197). Invitae Evidence Modeling of protein sequence and biophysical properties (such as structural, functional, and spatial information, amino acid conservation, physicochemical variation, residue mobility, and thermodynamic stability) indicates that this missense variant is expected to disrupt COMP protein function with a positive predictive value of 80%. This variant disrupts the p.Asp439 amino acid residue in COMP. Other variant(s) that disrupt this residue have been observed in individuals with COMP-related conditions (PMID: 15756302, 24595329, 26377240), which suggests that this may be a clinically significant amino acid residue. For these reasons, this variant has been classified as Pathogenic.

GeneDx
Classification: Likely pathogenic. Last evaluated: 2023-10-20. Review status: criteria provided, single submitter. Criteria: GeneDx Variant Classification Process June 2021. Collection method: clinical testing. Allele origin: germline. Affected: yes.
Comment: Not observed at significant frequency in large population cohorts (gnomAD); In silico analysis supports that this missense variant has a deleterious effect on protein structure/function; This variant is associated with the following publications: (PMID: 33748277, 34709441)

Foundation for Research in Genetics and Endocrinology, FRIGE's Institute of Human Genetics
Classification: Likely pathogenic for Multiple epiphyseal dysplasia type 1. Last evaluated: 2023-06-02. Review status: criteria provided, single submitter. Criteria: ACMG Guidelines, 2015. Collection method: clinical testing. Allele origin: germline. Inheritance: Autosomal dominant inheritance. Affected: yes. Observed: 1 heterozygote.
Comment: A heterozygous missense substitution (p.Asp439Glu ) lies in exon 13 of the PSACH gene and alters a highly conserved residue in the protein.The variant has not been reported in the 1000 Genomes and gnomAD databases. In silico prediction tools (FATHMM, Mutation Assessor, Mutation Taster and SIFT) predicts the variant to be damaging. In summary, the variant meets our criteria to be classified as likely pathogenic.

Literature cited by the submitters: PubMed 24595329 (cited by Labcorp Genetics (formerly Invitae), Labcorp); PubMed 33748277 (cited by Labcorp Genetics (formerly Invitae), Labcorp); PubMed 34709441 (cited by Labcorp Genetics (formerly Invitae), Labcorp); PubMed 15756302 (cited by Labcorp Genetics (formerly Invitae), Labcorp); PubMed 26377240 (cited by Labcorp Genetics (formerly Invitae), Labcorp).